The following is an entry in ClinVar:

ClinVar aggregate classification (germline): Uncertain significance (1 of 4 stars; one submission).

gnomAD v4.1: 3 of 1,613,754 alleles (0.00019%); highest among the groups gnomAD compares: Non-Finnish European, 0.00025%; no homozygotes.

Submission:

GeneDx
Classification: Uncertain significance. Last evaluated: 2024-12-20. Review status: criteria provided, single submitter. Criteria: GeneDx Variant Classification Process June 2021. Collection method: clinical testing. Allele origin: germline. Affected: yes.
Comment: Not observed at significant frequency in large population cohorts (gnomAD); In silico analysis supports that this missense variant has a deleterious effect on protein structure/function; Has not been previously published as pathogenic or benign to our knowledge

NM_014727.3(KMT2B):c.3964T>G (p.Tyr1322Asp)

Gene: KMT2B (lysine methyltransferase 2B; plus strand). Cytogenetic location: 19q13.12.
Variant type: single nucleotide variant.
Coding change: c.3964T>G on transcript NM_014727.3 (MANE Select); coding-DNA position 3964, T replaced by G.
Protein change: p.Tyr1322Asp; replaces tyrosine 1322 with aspartic acid.
Molecular consequence: missense variant.
Genome position (GRCh38, 1-based): chr19:35,726,314, T>G. VCF-style: chr19-35726314-T-G. GRCh37 (hg19) VCF-style: chr19-36217215-T-G.
Other names: short protein forms Y1322D.
Identifiers: ClinVar variation 3907888 (VCV003907888.1).